The following is an entry in ClinVar:

ClinVar aggregate classification (germline): Likely benign. Review status: criteria provided, multiple submitters, no conflicts (2 of 4 stars). 2 submissions from 2 submitters: Likely benign (2). Last evaluated 2023-08-01.

Conditions:
Sandhoff disease. Also called: Beta-hexosaminidase-beta-subunit deficiency; GM2 gangliosidosis, type 2; Total hexosaminidase deficiency; Sandhoff-Jatzkewitz-Pilz disease; GM2-GANGLIOSIDOSIS, TYPE II; HEXOSAMINIDASES A AND B DEFICIENCY. Identifiers: Orphanet 796, MedGen C0036161, MONDO:0010006, OMIM 268800.

Allele frequency attached by ClinVar (database versions not stated): gnomAD exomes below 0.00001; gnomAD 0.00001.
gnomAD v4.1: 2 of 1,609,674 alleles (0.00012%); highest among the groups gnomAD compares: Non-Finnish European, 0.00017%; no homozygotes.

Submissions (2):

CeGaT Center for Human Genetics Tuebingen
Classification: Likely benign. Last evaluated: 2023-08-01. Review status: criteria provided, single submitter. Criteria: CeGaT Center For Human Genetics Tuebingen Variant Classification Criteria Version 2. Collection method: clinical testing. Allele origin: germline. Affected: yes. Observed: 1 variant allele.
Comment: HEXB: BP4, BP7

Labcorp Genetics (formerly Invitae), Labcorp
Classification: Likely benign for Sandhoff disease. Last evaluated: 2022-05-22. Review status: criteria provided, single submitter. Criteria: Invitae Variant Classification Sherloc (09022015). Collection method: clinical testing. Allele origin: germline.

NM_000521.4(HEXB):c.1005A>G (p.Thr335=)

Gene: HEXB (hexosaminidase subunit beta; plus strand). Cytogenetic location: 5q13.3.
Variant type: single nucleotide variant.
Coding change: c.1005A>G on transcript NM_000521.4 (MANE Select); coding-DNA position 1005, A replaced by G.
Protein change: p.Thr335=; no amino-acid change (threonine 335 retained).
Molecular consequence: synonymous variant.
Genome position (GRCh38, 1-based): chr5:74,715,613, A>G. VCF-style: chr5-74715613-A-G. GRCh37 (hg19) VCF-style: chr5-74011438-A-G.
Other names: c.330A>G, p.Thr110= (NM_001292004.2).
Identifiers: ClinVar variation 1997846 (VCV001997846.29), dbSNP rs1749650935, ClinGen allele CA444847974.